The following is an entry in ClinVar:

ClinVar aggregate classification (germline): Uncertain significance. Review status: criteria provided, multiple submitters, no conflicts (2 of 4 stars). 2 submissions from 2 submitters: Uncertain significance (2). Last evaluated 2024-10-19.

Conditions:
Neurodevelopmental disorder with progressive spasticity and brain white matter abnormalities. Also called: CEREBRAL PALSY, SPASTIC QUADRIPLEGIC, 1. Identifiers: Orphanet 210141, Orphanet 641353, MedGen C5436628, MONDO:0033613, OMIM 619026.
Inborn genetic diseases. Identifiers: MedGen C0950123, MeSH D030342.

Allele frequency attached by ClinVar (database versions not stated): gnomAD 0.00001; gnomAD exomes 0.00001 and 0.00002; ExAC 0.00002; TOPMed 0.00002.
gnomAD v4.1: 7 of 1,614,042 alleles (0.00043%); highest among the groups gnomAD compares: Admixed American, 0.0067%; no homozygotes.

Submissions (2):

Ambry Genetics
Classification: Uncertain significance for Inborn genetic diseases. Last evaluated: 2024-10-19. Review status: criteria provided, single submitter. Criteria: Ambry Variant Classification Scheme 2023. Collection method: clinical testing. Allele origin: germline.

Labcorp Genetics (formerly Invitae), Labcorp
Classification: Uncertain significance for Neurodevelopmental disorder with progressive spasticity and brain white matter abnormalities. Last evaluated: 2021-07-17. Review status: criteria provided, single submitter. Criteria: Invitae Variant Classification Sherloc (09022015). Collection method: clinical testing. Allele origin: germline.
Comment: This sequence change replaces aspartic acid with glutamic acid at codon 18 of the GAD1 protein (p.Asp18Glu). The aspartic acid residue is highly conserved and there is a small physicochemical difference between aspartic acid and glutamic acid. This variant is present in population databases (rs758731063, ExAC 0.02%). This variant has not been reported in the literature in individuals affected with GAD1-related conditions. Algorithms developed to predict the effect of missense changes on protein structure and function are either unavailable or do not agree on the potential impact of this missense change (SIFT: "Deleterious"; PolyPhen-2: "Benign"; Align-GVGD: "Class C0"). In summary, the available evidence is currently insufficient to determine the role of this variant in disease. Therefore, it has been classified as a Variant of Uncertain Significance.

NM_000817.3(GAD1):c.54C>A (p.Asp18Glu)

Genes: GAD1 (glutamate decarboxylase 1; plus strand), GAD1-AS1 (GAD1 antisense RNA 1; minus strand). Cytogenetic location: 2q31.1.
Variant type: single nucleotide variant.
Coding change: c.54C>A on transcript NM_000817.3 (MANE Select); coding-DNA position 54, C replaced by A.
Protein change: p.Asp18Glu; replaces aspartic acid 18 with glutamic acid.
Molecular consequence: missense variant.
Genome position (GRCh38, 1-based): chr2:170,818,645, C>A. VCF-style: chr2-170818645-C-A. GRCh37 (hg19) VCF-style: chr2-171675155-C-A.
Other names: c.54C>A (NM_000817.2); c.54C>A, p.Asp18Glu (NM_013445.4); short protein forms D18E.
Identifiers: ClinVar variation 1445585 (VCV001445585.9), dbSNP rs758731063, ClinGen allele CA1962476.
Genomic context (GRCh38, chr2:170,818,645, plus strand): 5'-CGAGCTGATGGCGTCTTCGACCCCATCTTCGTCCGCAACCTCCTCGAACGCGGGAGCGGA[C>A]CCCAATACCACTAACCTGCGCCCCACAAGTAGGTCCCGCCCCAATTTTCTATCAAATGAA-3'
Protein context (NP_000808.2, residues 8-28): SSATSSNAGA[Asp18Glu]PNTTNLRPTT